The following is an entry in ClinVar:

NM_003244.4(TGIF1):c.16+1719del

Gene: TGIF1 (TGFB induced factor homeobox 1; plus strand). Cytogenetic location: 18p11.31.
Variant type: Deletion.
Coding change: c.16+1719del on transcript NM_003244.4 (MANE Select); 1719 bases into the intron after coding-DNA position 16, one base deleted (C; older notation c.16+1719delC).
Molecular consequence: intron variant. On other transcripts: 5 prime UTR variant (1).
Genome position (GRCh38, 1-based): chr18:3,452,224, C deleted; the last of 7 consecutive C bases (chr18:3,452,218-3,452,224); deleting any one gives the same sequence. VCF-style (leftmost placement, unchanged base first): chr18-3452217-GC-G. GRCh37 (hg19) VCF-style: chr18-3452215-GC-G.
Other names: c.-45+453del (NM_001374397.1); c.-203del (NM_170695.5); c.-44-4130del (NM_174886.3, NM_001278686.3); c.59-4130del (NM_173207.4); c.-45+3685del (NM_001374396.1); c.25+2568del (NM_001278682.2); c.16+1719del (NM_173208.3, NM_001278684.2); c.-45+2154del (NM_173209.3); and 1 more.
Identifiers: ClinVar variation 2648527 (VCV002648527.24), dbSNP rs11571509, ClinGen allele CA8875784.
Genomic context (GRCh38, chr18:3,452,217, plus strand): 5'-CTTCCCCCAGCGCCGTGGTCCTCCCTGGCGACCCCCTCTGCGCTCCTGGGGTCCTCCTGC[GC>G]CCCCCCTCCTCCACCGGCGCGCTGCCCACAGCCGCGTGCCCTCTCCCCGGAGCTGGGGAC-3'

ClinVar aggregate classification (germline): Benign (1 of 4 stars; one submission).

Submission:

CeGaT Center for Human Genetics Tuebingen
Classification: Benign. Last evaluated: 2022-06-01. Review status: criteria provided, single submitter. Criteria: CeGaT Center For Human Genetics Tuebingen Variant Classification Criteria Version 2. Collection method: clinical testing. Allele origin: germline. Affected: yes. Observed: 1 variant allele.
Comment: TGIF1: BS1, BS2